The following is an entry in ClinVar:

ClinVar aggregate classification (germline): Uncertain significance (1 of 4 stars; one submission).

Allele frequency attached by ClinVar (database versions not stated): ExAC 0.00001; ESP Exome Variant Server 0.00008.
gnomAD v4.1: 1 of 1,613,728 alleles (0.000062%); highest among the groups gnomAD compares: Non-Finnish European, 0.000085%; no homozygotes.

Submission:

Greenwood Genetic Center Diagnostic Laboratories, Greenwood Genetic Center
Classification: Uncertain significance. Last evaluated: 2023-06-23. Review status: criteria provided, single submitter. Criteria: ACMG Guidelines, 2015. Collection method: clinical testing. Allele origin: germline. Affected: yes.
Comment: Gene of Uncertain Significance

NM_012426.5(SF3B3):c.1390C>T (p.Arg464Ter)

Gene: SF3B3 (splicing factor 3b subunit 3; plus strand). Cytogenetic location: 16q22.1.
Variant type: single nucleotide variant.
Coding change: c.1390C>T on transcript NM_012426.5 (MANE Select); coding-DNA position 1390, C replaced by T.
Protein change: p.Arg464Ter; replaces arginine 464 with a stop codon.
Molecular consequence: nonsense.
Genome position (GRCh38, 1-based): chr16:70,548,430, C>T. VCF-style: chr16-70548430-C-T. GRCh37 (hg19) VCF-style: chr16-70582333-C-T.
Other names: short protein forms R464*.
Identifiers: ClinVar variation 2572290 (VCV002572290.1), dbSNP rs374390756, ClinGen allele CA8145272.